The following is an entry in ClinVar:

ClinVar aggregate classification (germline): Likely benign (1 of 4 stars; one submission).

Conditions:
VDR-related disorder. Also called: VDR-related condition.

gnomAD v4.1: 128 of 746,282 alleles (0.017%); highest among the groups gnomAD compares: East Asian, 0.054%; no homozygotes.

Submission:

PreventionGenetics, part of Exact Sciences
Classification: Likely benign for VDR-related condition. Last evaluated: 2025-07-19. Review status: criteria provided, single submitter. Criteria: ACMG Guidelines, 2015. Collection method: clinical testing. Allele origin: germline.
Comment: This variant is classified as likely benign based on ACMG/AMP sequence variant interpretation guidelines (Richards et al. 2015 PMID: 25741868, with internal and published modifications).

NM_000376.3(VDR):c.*192G>A

Gene: VDR (vitamin D receptor; minus strand). Cytogenetic location: 12q13.11.
Variant type: single nucleotide variant.
Coding change: c.*192G>A on transcript NM_000376.3 (MANE Select); 192 bases downstream of the stop codon, G replaced by A.
Molecular consequence: 3 prime UTR variant. On other transcripts: synonymous variant (1).
Genome position (GRCh38, 1-based): chr12:47,844,554, C>T on the plus strand (G>A on the coding strand, the complement: VDR is on the minus strand). VCF-style: chr12-47844554-C-T. GRCh37 (hg19) VCF-style: chr12-48238337-C-T.
Other names: c.*192G>A (NM_001017535.2, NM_001017536.2, NM_001374661.1 and 1 more transcripts); c.1476G>A, p.Pro492= (NM_001364085.2).
Identifiers: ClinVar variation 4979734 (VCV004979734.1).
Genomic context (GRCh38, chr12:47,844,554, plus strand): 5'-CCCACTTGGGTTTCTTTGTCAAACAAACAGCAACTCCTCATGGCTGAGGTCTCAAGGGAC[C>T]GGGGAAAAGCCCGCAGGAAAGGGGTTAGGTTGGACAGGAGAGAGAATGGGCTGGGTGGAT-3'